The following is an entry in ClinVar:

ClinVar aggregate classification (germline): Uncertain significance (1 of 4 stars; one submission).

Conditions:
Cone-rod dystrophy 6 (CORD6). Also called: RETINAL CONE DYSTROPHY 2; Cone dystrophy progressive. Identifiers: Orphanet 1872, MedGen C1866293, MONDO:0011143, OMIM 601777.
Leber congenital amaurosis 1 (LCA1). Also called: Congenital absence of the rods and cones; Leber's congenital tapetoretinal degeneration; Leber's congenital tapetoretinal dysplasia; RETINAL BLINDNESS, CONGENITAL; AMAUROSIS CONGENITA OF LEBER I. Identifiers: Orphanet 65, MedGen C2931258, MONDO:0008764, OMIM 204000.

Submission:

Labcorp Genetics (formerly Invitae), Labcorp
Classification: Uncertain significance for Leber congenital amaurosis 1; Cone-rod dystrophy 6. Last evaluated: 2021-12-27. Review status: criteria provided, single submitter. Criteria: Invitae Variant Classification Sherloc (09022015). Collection method: clinical testing. Allele origin: germline.
Comment: This variant is not present in population databases (gnomAD no frequency). In summary, the available evidence is currently insufficient to determine the role of this variant in disease. Therefore, it has been classified as a Variant of Uncertain Significance. Algorithms developed to predict the effect of missense changes on protein structure and function output the following: SIFT: "Tolerated"; PolyPhen-2: "Benign"; Align-GVGD: "Class C0". The alanine amino acid residue is found in multiple mammalian species, which suggests that this missense change does not adversely affect protein function. This variant has not been reported in the literature in individuals affected with GUCY2D-related conditions. This sequence change replaces aspartic acid, which is acidic and polar, with alanine, which is neutral and non-polar, at codon 87 of the GUCY2D protein (p.Asp87Ala).

NM_000180.4(GUCY2D):c.260A>C (p.Asp87Ala)

Gene: GUCY2D (guanylate cyclase 2D, retinal; plus strand). Cytogenetic location: 17p13.1.
Variant type: single nucleotide variant.
Coding change: c.260A>C on transcript NM_000180.4 (MANE Select); coding-DNA position 260, A replaced by C.
Protein change: p.Asp87Ala; replaces aspartic acid 87 with alanine.
Molecular consequence: missense variant.
Genome position (GRCh38, 1-based): chr17:8,003,307, A>C. VCF-style: chr17-8003307-A-C. GRCh37 (hg19) VCF-style: chr17-7906625-A-C.
Other names: short protein forms D87A.
Identifiers: ClinVar variation 2061852 (VCV002061852.4), dbSNP rs2545417635, ClinGen allele CA397943065.